The following is an entry in ClinVar:

NM_022114.4(PRDM16):c.469T>A (p.Cys157Ser)

Gene: PRDM16 (PR/SET domain 16; plus strand). Cytogenetic location: 1p36.32.
Variant type: single nucleotide variant.
Coding change: c.469T>A on transcript NM_022114.4 (MANE Select); coding-DNA position 469, T replaced by A.
Protein change: p.Cys157Ser; replaces cysteine 157 with serine.
Molecular consequence: missense variant.
Genome position (GRCh38, 1-based): chr1:3,385,182, T>A. VCF-style: chr1-3385182-T-A. GRCh37 (hg19) VCF-style: chr1-3301746-T-A.
Other names: c.469T>A, p.Cys157Ser (NM_199454.3); short protein forms C157S.
Identifiers: ClinVar variation 1051945 (VCV001051945.10), dbSNP rs2100606178, ClinGen allele CA338000409.

ClinVar aggregate classification (germline): Uncertain significance (1 of 4 stars; one submission).

Conditions:
Left ventricular noncompaction 8 (LVNC8). Identifiers: Orphanet 154, Orphanet 54260, MedGen C3809288, MONDO:0014152, OMIM 615373.

Submission:

Labcorp Genetics (formerly Invitae), Labcorp
Classification: Uncertain significance for Left ventricular noncompaction 8. Last evaluated: 2022-10-17. Review status: criteria provided, single submitter. Criteria: Invitae Variant Classification Sherloc (09022015). Collection method: clinical testing. Allele origin: germline.
Comment: This variant has not been reported in the literature in individuals affected with PRDM16-related conditions. ClinVar contains an entry for this variant (Variation ID: 1051945). Algorithms developed to predict the effect of missense changes on protein structure and function are either unavailable or do not agree on the potential impact of this missense change (SIFT: "Deleterious"; PolyPhen-2: "Benign"; Align-GVGD: "Class C0"). In summary, the available evidence is currently insufficient to determine the role of this variant in disease. Therefore, it has been classified as a Variant of Uncertain Significance. This variant is not present in population databases (gnomAD no frequency). This sequence change replaces cysteine, which is neutral and slightly polar, with serine, which is neutral and polar, at codon 157 of the PRDM16 protein (p.Cys157Ser).